The following is an entry in ClinVar:

NM_000245.4(MET):c.1090G>A (p.Ala364Thr)

Gene: MET (MET proto-oncogene, receptor tyrosine kinase; plus strand). Cytogenetic location: 7q31.2.
Variant type: single nucleotide variant.
Coding change: c.1090G>A on transcript NM_000245.4 (MANE Select); coding-DNA position 1090, G replaced by A.
Protein change: p.Ala364Thr; replaces alanine 364 with threonine.
Molecular consequence: missense variant. On other transcripts: intron variant (1).
Genome position (GRCh38, 1-based): chr7:116,700,174, G>A. VCF-style: chr7-116700174-G-A. GRCh37 (hg19) VCF-style: chr7-116340228-G-A.
Other names: c.1090G>A, p.Ala364Thr (NM_001127500.3, NM_001324401.3); c.-91+27597G>A (NM_001324402.2); short protein forms A364T.
Identifiers: ClinVar variation 962356 (VCV000962356.11), dbSNP rs200016433, ClinGen allele CA4448068.

ClinVar aggregate classification (germline): Uncertain significance. Review status: criteria provided, multiple submitters, no conflicts (2 of 4 stars). 3 submissions from 3 submitters: Uncertain significance (3). Last evaluated 2025-05-28.

Conditions:
Autosomal recessive nonsyndromic hearing loss 97. Also called: Deafness, autosomal recessive 97. Identifiers: Orphanet 90636, MedGen C4084709, MONDO:0014739, OMIM 616705.
Renal cell carcinoma. Identifiers: Orphanet 217071, MedGen C0007134, MeSH D002292, MONDO:0005086, HP:0005584.
Hereditary cancer-predisposing syndrome. Also called: Tumor predisposition; Hereditary neoplastic syndrome; Hereditary Cancer Syndrome; Neoplastic Syndromes, Hereditary. Identifiers: Orphanet 140162, MedGen C0027672, MeSH D009386, MONDO:0015356.

Allele frequency attached by ClinVar (database versions not stated): gnomAD exomes below 0.00001; ExAC 0.00001.

Submissions (3):

Labcorp Genetics (formerly Invitae), Labcorp
Classification: Uncertain significance for Renal cell carcinoma. Last evaluated: 2025-05-28. Review status: criteria provided, single submitter. Criteria: Invitae Variant Classification Sherloc (09022015). Collection method: clinical testing. Allele origin: germline.
Comment: This sequence change replaces alanine, which is neutral and non-polar, with threonine, which is neutral and polar, at codon 364 of the MET protein (p.Ala364Thr). This variant is present in population databases (rs200016433, gnomAD 0.0009%). This variant has not been reported in the literature in individuals affected with MET-related conditions. ClinVar contains an entry for this variant (Variation ID: 962356). Invitae Evidence Modeling of protein sequence and biophysical properties (such as structural, functional, and spatial information, amino acid conservation, physicochemical variation, residue mobility, and thermodynamic stability) has been performed for this missense variant. However, the output from this modeling did not meet the statistical confidence thresholds required to predict the impact of this variant on MET protein function. In summary, the available evidence is currently insufficient to determine the role of this variant in disease. Therefore, it has been classified as a Variant of Uncertain Significance.

Ambry Genetics
Classification: Uncertain significance for Hereditary cancer-predisposing syndrome. Last evaluated: 2024-06-13. Review status: criteria provided, single submitter. Criteria: Ambry Variant Classification Scheme 2023. Collection method: clinical testing. Allele origin: germline.
Comment: The p.A364T variant (also known as c.1090G>A), located in coding exon 1 of the MET gene, results from a G to A substitution at nucleotide position 1090. The alanine at codon 364 is replaced by threonine, an amino acid with similar properties. This amino acid position is highly conserved in available vertebrate species. In addition, this alteration is predicted to be tolerated by in silico analysis. Based on the available evidence, the clinical significance of this variant remains unclear.

Baylor Genetics
Classification: Uncertain significance for Autosomal recessive nonsyndromic hearing loss 97. Last evaluated: 2024-03-22. Review status: criteria provided, single submitter. Criteria: ACMG Guidelines, 2015. Collection method: clinical testing. Allele origin: unknown.